The following is an entry in ClinVar:

ClinVar aggregate classification (germline): Uncertain significance. Review status: criteria provided, multiple submitters, no conflicts (2 of 4 stars). 2 submissions from 2 submitters: Uncertain significance (2). Last evaluated 2023-09-21.

Allele frequency attached by ClinVar (database versions not stated): ExAC 0.00002.
gnomAD v4.1: 2 of 1,599,660 alleles (0.00013%); highest among the groups gnomAD compares: Admixed American, 0.0017%; no homozygotes.

Submissions (2):

Blueprint Genetics
Classification: Uncertain significance. Last evaluated: 2023-09-21. Review status: criteria provided, single submitter. Criteria: ACMG Guidelines, 2015. Collection method: clinical testing. Allele origin: germline.

GeneDx
Classification: Uncertain significance. Last evaluated: 2022-08-10. Review status: criteria provided, single submitter. Criteria: GeneDx Variant Classification Process June 2021. Collection method: clinical testing. Allele origin: germline. Affected: yes.
Comment: In silico analysis supports that this missense variant has a deleterious effect on protein structure/function; Has not been previously published as pathogenic or benign to our knowledge

NM_000142.5(FGFR3):c.2314C>G (p.Pro772Ala)

Gene: FGFR3 (fibroblast growth factor receptor 3; plus strand). Cytogenetic location: 4p16.3.
Variant type: single nucleotide variant.
Coding change: c.2314C>G on transcript NM_000142.5 (MANE Select); coding-DNA position 2314, C replaced by G.
Protein change: p.Pro772Ala; replaces proline 772 with alanine.
Molecular consequence: missense variant. On other transcripts: non-coding transcript variant (1).
Genome position (GRCh38, 1-based): chr4:1,807,155, C>G. VCF-style: chr4-1807155-C-G. GRCh37 (hg19) VCF-style: chr4-1808882-C-G.
Other names: c.2320C>G, p.Pro774Ala (NM_001163213.2); c.2317C>G, p.Pro773Ala (NM_001354809.2); c.2246C>G, p.Pro749Arg (NM_001354810.2); c.1978C>G, p.Pro660Ala (NM_022965.4); short protein forms P660A, P749R, P772A, P773A, P774A.
Identifiers: ClinVar variation 2429497 (VCV002429497.2), dbSNP rs748492376, ClinGen allele CA2810833.